The following is an entry in ClinVar:

NM_000138.5(FBN1):c.11G>A (p.Gly4Glu)

Gene: FBN1 (fibrillin 1; minus strand). Cytogenetic location: 15q21.1.
Variant type: single nucleotide variant.
Coding change: c.11G>A on transcript NM_000138.5 (MANE Select); coding-DNA position 11, G replaced by A.
Protein change: p.Gly4Glu; replaces glycine 4 with glutamic acid.
Molecular consequence: missense variant.
Genome position (GRCh38, 1-based): chr15:48,644,759, C>T on the plus strand (G>A on the coding strand, the complement: FBN1 is on the minus strand). VCF-style: chr15-48644759-C-T. GRCh37 (hg19) VCF-style: chr15-48936956-C-T.
Other names: c.11G>A, p.Gly4Glu (NM_001406716.1, NM_001406717.1, NM_001406718.1); short protein forms G4E.
Identifiers: ClinVar variation 4790502 (VCV004790502.1).
Genomic context (GRCh38, chr15:48,644,759, plus strand): 5'-CCATGGCTCGTGTAGGACGCTAAAAGCACGGTAAATCCCAGGGCGATCTCCAGCAGACGC[C>T]CTCGACGCATGATGCCGAGCCGCCACCGGCTCCCGCCGCCTCTTGCCGCGCCCGGGGCTC-3'
Protein context (NP_000129.3, residues 1-14): MRR[Gly4Glu]RLLEIALGFT

ClinVar aggregate classification (germline): Uncertain significance (1 of 4 stars; one submission).

Conditions:
Marfan syndrome (MFS). Also called: FBN1-Related Marfan Syndrome; MARFAN SYNDROME, TYPE I; Marfan syndrome type 1; Marfan's syndrome; Marfan syndrome, classic. Identifiers: Orphanet 284963, Orphanet 558, MedGen C0024796, MONDO:0007947, OMIM 154700.
Familial thoracic aortic aneurysm and aortic dissection (TAAD). Also called: Thoracic aortic aneurysms and dissections. Identifiers: Orphanet 91387, MedGen C4707243, MONDO:0019625.

gnomAD v4.1: 1 of 1,611,242 alleles (0.000062%); highest among the groups gnomAD compares: South Asian, 0.0011%; no homozygotes.

Submission:

Labcorp Genetics (formerly Invitae), Labcorp
Classification: Uncertain significance for Marfan syndrome; Familial thoracic aortic aneurysm and aortic dissection. Last evaluated: 2025-05-14. Review status: criteria provided, single submitter. Criteria: Invitae Variant Classification Sherloc (09022015). Collection method: clinical testing. Allele origin: germline.
Comment: This sequence change replaces glycine, which is neutral and non-polar, with glutamic acid, which is acidic and polar, at codon 4 of the FBN1 protein (p.Gly4Glu). This variant is not present in population databases (gnomAD no frequency). This variant has not been reported in the literature in individuals affected with FBN1-related conditions. Invitae Evidence Modeling of protein sequence and biophysical properties (such as structural, functional, and spatial information, amino acid conservation, physicochemical variation, residue mobility, and thermodynamic stability) indicates that this missense variant is not expected to disrupt FBN1 protein function with a negative predictive value of 95%. In summary, the available evidence is currently insufficient to determine the role of this variant in disease. Therefore, it has been classified as a Variant of Uncertain Significance.